The following is an entry in ClinVar:

NM_000059.4(BRCA2):c.9245T>C (p.Val3082Ala)

Gene: BRCA2 (BRCA2 DNA repair associated; plus strand). Cytogenetic location: 13q13.1.
Variant type: single nucleotide variant.
Coding change: c.9245T>C on transcript NM_000059.4 (MANE Select); coding-DNA position 9245, T replaced by C.
Protein change: p.Val3082Ala; replaces valine 3082 with alanine.
Molecular consequence: missense variant. On other transcripts: non-coding transcript variant (1).
Genome position (GRCh38, 1-based): chr13:32,380,134, T>C. VCF-style: chr13-32380134-T-C. GRCh37 (hg19) VCF-style: chr13-32954271-T-C.
Other names: c.9149T>C, p.Val3050Ala (NM_001406719.1); c.9194T>C, p.Val3065Ala (NM_001406720.1); c.4313T>C, p.Val1438Ala (NM_001406721.1); c.2828T>C, p.Val943Ala (NM_001406722.1); c.9245T>C, p.Val3082Ala (NM_001432077.1); short protein forms V3065A, V3082A, V943A, V1438A, V3050A.
Identifiers: ClinVar variation 3636560 (VCV003636560.2).

ClinVar aggregate classification (germline): Uncertain significance (1 of 4 stars; one submission).

Conditions:
Hereditary breast ovarian cancer syndrome. Also called: Hereditary breast and ovarian cancer syndrome; Hereditary breast and ovarian cancer syndrome (HBOC); BRCA1- and BRCA2-Associated Hereditary Breast and Ovarian Cancer; Hereditary breast and ovarian cancer; Breast and ovarian cancer; Hereditary breast and/or ovarian cancer syndrome. Identifiers: Orphanet 145, MedGen C0677776, MeSH D061325, MONDO:0003582. Disease mechanism: loss of function.

Submission:

Labcorp Genetics (formerly Invitae), Labcorp
Classification: Uncertain significance for Hereditary breast ovarian cancer syndrome. Last evaluated: 2024-06-17. Review status: criteria provided, single submitter. Criteria: Invitae Variant Classification Sherloc (09022015). Collection method: clinical testing. Allele origin: germline.
Comment: This sequence change replaces valine, which is neutral and non-polar, with alanine, which is neutral and non-polar, at codon 3082 of the BRCA2 protein (p.Val3082Ala). This variant is not present in population databases (gnomAD no frequency). This variant has not been reported in the literature in individuals affected with BRCA2-related conditions. Advanced modeling of protein sequence and biophysical properties (such as structural, functional, and spatial information, amino acid conservation, physicochemical variation, residue mobility, and thermodynamic stability) performed at Invitae indicates that this missense variant is not expected to disrupt BRCA2 protein function with a negative predictive value of 95%. In summary, the available evidence is currently insufficient to determine the role of this variant in disease. Therefore, it has been classified as a Variant of Uncertain Significance.